The following is an entry in ClinVar:

ClinVar aggregate classification (germline): Uncertain significance (1 of 4 stars; one submission).

Conditions:
Hereditary cancer-predisposing syndrome. Also called: Neoplastic Syndromes, Hereditary; Tumor predisposition; Hereditary Cancer Syndrome; Hereditary neoplastic syndrome. Identifiers: Orphanet 140162, MedGen C0027672, MeSH D009386, MONDO:0015356.

Submission:

Ambry Genetics
Classification: Uncertain significance for Hereditary cancer-predisposing syndrome. Last evaluated: 2021-09-30. Review status: criteria provided, single submitter. Criteria: Ambry Variant Classification Scheme 2023. Collection method: clinical testing. Allele origin: germline.
Comment: The p.R271P variant (also known as c.812G>C), located in coding exon 5 of the KIT gene, results from a G to C substitution at nucleotide position 812. The arginine at codon 271 is replaced by proline, an amino acid with dissimilar properties. This amino acid position is conserved. In addition, the in silico prediction for this alteration is inconclusive. Since supporting evidence is limited at this time, the clinical significance of this alteration remains unclear.

NM_000222.3(KIT):c.812G>C (p.Arg271Pro)

Gene: KIT (KIT proto-oncogene, receptor tyrosine kinase; plus strand). Cytogenetic location: 4q12.
Variant type: single nucleotide variant.
Coding change: c.812G>C on transcript NM_000222.3 (MANE Select); coding-DNA position 812, G replaced by C.
Protein change: p.Arg271Pro; replaces arginine 271 with proline.
Molecular consequence: missense variant.
Genome position (GRCh38, 1-based): chr4:54,703,779, G>C. VCF-style: chr4-54703779-G-C. GRCh37 (hg19) VCF-style: chr4-55569945-G-C.
Other names: c.812G>C, p.Arg271Pro (NM_001093772.2, NM_001385285.1, NM_001385286.1); c.815G>C, p.Arg272Pro (NM_001385284.1, NM_001385288.1, NM_001385290.1 and 1 more transcripts); short protein forms R271P, R272P.
Identifiers: ClinVar variation 1762125 (VCV001762125.2), dbSNP rs2109693198, ClinGen allele CA356899607.